The following is an entry in ClinVar:

ClinVar aggregate classification (germline): Uncertain significance. Review status: criteria provided, multiple submitters, no conflicts (2 of 4 stars). 2 submissions from 2 submitters: Uncertain significance (2). Last evaluated 2022-11-06.

Conditions:
Cardiomyopathy (CMYO). Also called: Cardiomyopathies. Identifiers: Orphanet 167848, MedGen C0878544, MONDO:0004994, HP:0001638. Inheritance: Various modes of inheritance.

Allele frequency attached by ClinVar (database versions not stated): gnomAD 0.00001.
gnomAD v4.1: 1 of 1,613,770 alleles (0.000062%); highest among the groups gnomAD compares: Non-Finnish European, 0.000085%; no homozygotes.

Submissions (2):

Color Diagnostics, LLC DBA Color Health
Classification: Uncertain significance for Cardiomyopathy. Last evaluated: 2022-11-06. Review status: criteria provided, single submitter. Criteria: ACMG Guidelines, 2015. Collection method: clinical testing. Allele origin: germline.
Comment: This missense variant replaces glutamic acid with glutamine at codon 2139 of the RYR2 protein. Computational prediction suggests that this variant may have deleterious impact on protein structure and function (internally defined REVEL score threshold >= 0.7, PMID: 27666373). To our knowledge, functional studies have not been reported for this variant. This variant has not been reported in individuals affected with RYR2-related disorders in the literature. This variant has not been identified in the general population by the Genome Aggregation Database (gnomAD). The available evidence is insufficient to determine the role of this variant in disease conclusively. Therefore, this variant is classified as a Variant of Uncertain Significance.

GeneDx
Classification: Uncertain significance. Last evaluated: 2019-12-04. Review status: criteria provided, single submitter. Criteria: GeneDx Variant Classification Process June 2021. Collection method: clinical testing. Allele origin: germline. Affected: yes.
Comment: Has not been previously published as pathogenic or benign to our knowledge; Not located in one of the three hot-spot regions of the RYR2 gene, where the majority of pathogenic missense variants occur (Medeiros-Domingo et al., 2009); In silico analysis, which includes protein predictors and evolutionary conservation, supports a deleterious effect

NM_001035.3(RYR2):c.6415G>C (p.Glu2139Gln)

Gene: RYR2 (ryanodine receptor 2; plus strand). Cytogenetic location: 1q43.
Variant type: single nucleotide variant.
Coding change: c.6415G>C on transcript NM_001035.3 (MANE Select); coding-DNA position 6415, G replaced by C.
Protein change: p.Glu2139Gln; replaces glutamic acid 2139 with glutamine.
Molecular consequence: missense variant.
Genome position (GRCh38, 1-based): chr1:237,628,055, G>C. VCF-style: chr1-237628055-G-C. GRCh37 (hg19) VCF-style: chr1-237791355-G-C.
Other names: short protein forms E2139Q.
Identifiers: ClinVar variation 1321108 (VCV001321108.4), dbSNP rs1418995790, ClinGen allele CA345411500.
Genomic context (GRCh38, chr1:237,628,055, plus strand): 5'-CTGCTGGCATCCCTTGGTCAGATTCGGTCCCTGCTGAGTGTGAGAATGGGCAAAGAAGAA[G>C]AGAAGCTCATGATTCGTGGATTAGGGTAAATTATTTAACTACTACAACCCTTTGTCTCGT-3'
Protein context (NP_001026.2, residues 2129-2149): LLSVRMGKEE[Glu2139Gln]KLMIRGLGDI